The following is an entry in ClinVar:

NM_003839.4(TNFRSF11A):c.1456A>G (p.Arg486Gly)

Gene: TNFRSF11A (TNF receptor superfamily member 11a; plus strand). Cytogenetic location: 18q21.33.
Variant type: single nucleotide variant.
Coding change: c.1456A>G on transcript NM_003839.4 (MANE Select); coding-DNA position 1456, A replaced by G.
Protein change: p.Arg486Gly; replaces arginine 486 with glycine.
Molecular consequence: missense variant. On other transcripts: intron variant (3).
Genome position (GRCh38, 1-based): chr18:62,369,373, A>G. VCF-style: chr18-62369373-A-G. GRCh37 (hg19) VCF-style: chr18-60036606-A-G.
Other names: c.1414A>G, p.Arg472Gly (NM_001278268.2); c.783+2613A>G (NM_001270949.2); c.730+7580A>G (NM_001270950.2); c.616+9324A>G (NM_001270951.2); c.1456A>G (NM_003839.3); short protein forms R486G, R472G.
Identifiers: ClinVar variation 3011682 (VCV003011682.6), dbSNP rs763654840, ClinGen allele CA8983971.
Genomic context (GRCh38, chr18:62,369,373, plus strand): 5'-CGTGGACCCTTGCCCCAGTGCGCCTATGGCATGGGCCTTCCCCCTGAAGAAGAAGCCAGC[A>G]GGACGGAGGCCAGAGACCAGCCCGAGGATGGGGCTGATGGGAGGCTCCCAAGCTCAGCGA-3'
Protein context (NP_003830.1, residues 476-496): MGLPPEEEAS[Arg486Gly]TEARDQPEDG

ClinVar aggregate classification (germline): Conflicting classifications of pathogenicity. Review status: criteria provided, conflicting classifications (1 of 4 stars). 3 submissions from 3 submitters: Uncertain significance (1); Likely benign (1). 1 of the submissions does not count toward it. Last evaluated 2025-08-16.

Conditions:
TNFRSF11A-related disorder. Also called: TNFRSF11A-related condition.

Allele frequency attached by ClinVar (database versions not stated): gnomAD exomes 0.00001; ExAC 0.00002; gnomAD 0.00005; TOPMed 0.00006.

Submissions (3):

Labcorp Genetics (formerly Invitae), Labcorp
Classification: Uncertain significance. Last evaluated: 2025-08-16. Review status: criteria provided, single submitter. Criteria: Invitae Variant Classification Sherloc (09022015). Collection method: clinical testing. Allele origin: germline.
Comment: This sequence change replaces arginine, which is basic and polar, with glycine, which is neutral and non-polar, at codon 486 of the TNFRSF11A protein (p.Arg486Gly). This variant is present in population databases (rs763654840, gnomAD 0.02%). This variant has not been reported in the literature in individuals affected with TNFRSF11A-related conditions. ClinVar contains an entry for this variant (Variation ID: 3011682). An algorithm developed to predict the effect of missense changes on protein structure and function outputs the following: PolyPhen-2: "Benign". The glycine amino acid residue is found in multiple mammalian species, which suggests that this missense change does not adversely affect protein function. In summary, the available evidence is currently insufficient to determine the role of this variant in disease. Therefore, it has been classified as a Variant of Uncertain Significance.

Blueprint Genetics
Classification: Likely benign. Last evaluated: 2022-07-11. Review status: criteria provided, single submitter. Criteria: ACMG Guidelines, 2015. Collection method: clinical testing. Allele origin: germline.

PreventionGenetics, part of Exact Sciences
Classification: Uncertain significance for TNFRSF11A-related condition. Last evaluated: 2024-01-04. Review status: no assertion criteria provided. Collection method: clinical testing. Allele origin: germline. Not counted in ClinVar's aggregate classification.
Comment: The TNFRSF11A c.1456A>G variant is predicted to result in the amino acid substitution p.Arg486Gly. To our knowledge, this variant has not been reported in the literature. This variant is reported in 0.021% of alleles in individuals of African descent in gnomAD. At this time, the clinical significance of this variant is uncertain due to the absence of conclusive functional and genetic evidence.